The following is an entry in ClinVar:

ClinVar aggregate classification (germline): Pathogenic (1 of 4 stars; one submission).

Conditions:
Autosomal recessive limb-girdle muscular dystrophy type 2J (LGMDR10). Also called: Limb-girdle muscular dystrophy, type 2J; MUSCULAR DYSTROPHY, LIMB-GIRDLE, AUTOSOMAL RECESSIVE 10. Identifiers: Orphanet 140922, MedGen C1837342, MONDO:0012127, OMIM 608807.
Dilated cardiomyopathy 1G (CMD1G). Identifiers: Orphanet 154, MedGen C1858763, MONDO:0011400, OMIM 604145.

Submission:

Labcorp Genetics (formerly Invitae), Labcorp
Classification: Pathogenic for Dilated cardiomyopathy 1G; Autosomal recessive limb-girdle muscular dystrophy type 2J. Last evaluated: 2025-02-06. Review status: criteria provided, single submitter. Criteria: Invitae Variant Classification Sherloc (09022015). Collection method: clinical testing. Allele origin: germline.
Comment: This sequence change creates a premature translational stop signal (p.Tyr29208*) in the TTN gene. While this is not anticipated to result in nonsense mediated decay, it is expected to create a truncated TTN protein. This variant is not present in population databases (gnomAD no frequency). This premature translational stop signal has been observed in individuals with dilated cardiomyopathy (PMID: 22335739; internal data). This variant is also known as p.Tyr27567X. ClinVar contains an entry for this variant (Variation ID: 2093525). This variant is located in the A band of TTN (PMID: 25589632). Truncating variants in this region are significantly overrepresented in patients affected with dilated cardiomyopathy (PMID: 25589632). Truncating variants in this region have also been reported in individuals affected with autosomal recessive centronuclear myopathy (PMID: 23975875). For these reasons, this variant has been classified as Pathogenic.

Literature cited by the submitters: PubMed 22335739; PubMed 25589632; PubMed 23975875.

NM_001267550.2(TTN):c.87624C>G (p.Tyr29208Ter)

Genes: TTN (titin; minus strand), TTN-AS1 (TTN antisense RNA 1; plus strand). Cytogenetic location: 2q31.2.
Variant type: single nucleotide variant.
Coding change: c.87624C>G on transcript NM_001267550.2 (MANE Select); coding-DNA position 87624, C replaced by G.
Protein change: p.Tyr29208Ter; replaces tyrosine 29208 with a stop codon.
Molecular consequence: nonsense.
Genome position (GRCh38, 1-based): chr2:178,557,730, G>C on the plus strand (C>G on the coding strand, the complement: TTN is on the minus strand). VCF-style: chr2-178557730-G-C. GRCh37 (hg19) VCF-style: chr2-179422457-G-C.
Other names: c.82701C>G, p.Tyr27567Ter (NM_001256850.1); c.60429C>G, p.Tyr20143Ter (NM_003319.4); c.79920C>G, p.Tyr26640Ter (NM_133378.4); c.60804C>G, p.Tyr20268Ter (NM_133432.3); c.61005C>G, p.Tyr20335Ter (NM_133437.4); short protein forms Y20335*, Y27567*, Y20268*, Y26640*, Y29208*, Y20143*.
Identifiers: ClinVar variation 2093525 (VCV002093525.4), dbSNP rs772121356, ClinGen allele CA349535169.